The following is an entry in ClinVar:

NM_000051.4(ATM):c.4294G>A (p.Val1432Ile)

Gene: ATM (ATM serine/threonine kinase; plus strand). Cytogenetic location: 11q22.3.
Variant type: single nucleotide variant.
Coding change: c.4294G>A on transcript NM_000051.4 (MANE Select); coding-DNA position 4294, G replaced by A.
Protein change: p.Val1432Ile; replaces valine 1432 with isoleucine.
Molecular consequence: missense variant.
Genome position (GRCh38, 1-based): chr11:108,289,659, G>A. VCF-style: chr11-108289659-G-A. GRCh37 (hg19) VCF-style: chr11-108160386-G-A.
Other names: c.4294G>A, p.Val1432Ile (NM_001351834.2); short protein forms V1432I.
Identifiers: ClinVar variation 1718058 (VCV001718058.5), dbSNP rs2546909075, ClinGen allele CA382531496.

ClinVar aggregate classification (germline): Uncertain significance (1 of 4 stars; one submission).

Conditions:
Ataxia-telangiectasia syndrome (AT). Also called: Cerebello-oculocutaneous telangiectasia; ATAXIA-TELANGIECTASIA, COMPLEMENTATION GROUP A; ATAXIA-TELANGIECTASIA, FRESNO VARIANT; Ataxia-telangiectasia, complementation group D; AT, COMPLEMENTATION GROUP C; Immunodeficiency with ataxia telangiectasia. Identifiers: Orphanet 100, MedGen C0004135, MONDO:0008840, OMIM 208900.

Submission:

Labcorp Genetics (formerly Invitae), Labcorp
Classification: Uncertain significance for Ataxia-telangiectasia syndrome. Last evaluated: 2022-08-26. Review status: criteria provided, single submitter. Criteria: Invitae Variant Classification Sherloc (09022015). Collection method: clinical testing. Allele origin: germline.
Comment: This sequence change replaces valine, which is neutral and non-polar, with isoleucine, which is neutral and non-polar, at codon 1432 of the ATM protein (p.Val1432Ile). This variant is not present in population databases (gnomAD no frequency). In summary, the available evidence is currently insufficient to determine the role of this variant in disease. Therefore, it has been classified as a Variant of Uncertain Significance. Advanced modeling of protein sequence and biophysical properties (such as structural, functional, and spatial information, amino acid conservation, physicochemical variation, residue mobility, and thermodynamic stability) performed at Invitae indicates that this missense variant is not expected to disrupt ATM protein function. This variant has not been reported in the literature in individuals affected with ATM-related conditions.